The following is an entry in ClinVar:

ClinVar aggregate classification (germline): Uncertain significance (1 of 4 stars; one submission).

gnomAD v4.1: 1 of 1,614,214 alleles (0.000062%); no homozygotes.

Submission:

Labcorp Genetics (formerly Invitae), Labcorp
Classification: Uncertain significance. Last evaluated: 2025-09-22. Review status: criteria provided, single submitter. Criteria: Invitae Variant Classification Sherloc (09022015). Collection method: clinical testing. Allele origin: germline.
Comment: This sequence change replaces serine, which is neutral and polar, with phenylalanine, which is neutral and non-polar, at codon 76 of the KLF11 protein (p.Ser76Phe). This variant is not present in population databases (gnomAD no frequency). This variant has not been reported in the literature in individuals affected with KLF11-related conditions. ClinVar contains an entry for this variant (Variation ID: 3675986). An algorithm developed to predict the effect of missense changes on protein structure and function (PolyPhen-2) suggests that this variant is likely to be disruptive. In summary, the available evidence is currently insufficient to determine the role of this variant in disease. Therefore, it has been classified as a Variant of Uncertain Significance.

NM_003597.5(KLF11):c.227C>T (p.Ser76Phe)

Gene: KLF11 (KLF transcription factor 11; plus strand). Cytogenetic location: 2p25.1.
Variant type: single nucleotide variant.
Coding change: c.227C>T on transcript NM_003597.5 (MANE Select); coding-DNA position 227, C replaced by T.
Protein change: p.Ser76Phe; replaces serine 76 with phenylalanine.
Molecular consequence: missense variant.
Genome position (GRCh38, 1-based): chr2:10,046,334, C>T. VCF-style: chr2-10046334-C-T. GRCh37 (hg19) VCF-style: chr2-10186461-C-T.
Other names: c.176C>T, p.Ser59Phe (NM_001177716.2, NM_001177718.2); short protein forms S76F, S59F.
Identifiers: ClinVar variation 3675986 (VCV003675986.2).